The following is an entry in ClinVar:

NM_152703.5(SAMD9L):c.1087T>C (p.Phe363Leu)

Gene: SAMD9L (sterile alpha motif domain containing 9 like; minus strand). Cytogenetic location: 7q21.2.
Variant type: single nucleotide variant.
Coding change: c.1087T>C on transcript NM_152703.5 (MANE Select); coding-DNA position 1087, T replaced by C.
Protein change: p.Phe363Leu; replaces phenylalanine 363 with leucine.
Molecular consequence: missense variant.
Genome position (GRCh38, 1-based): chr7:93,134,885, A>G on the plus strand (T>C on the coding strand, the complement: SAMD9L is on the minus strand). VCF-style: chr7-93134885-A-G. GRCh37 (hg19) VCF-style: chr7-92764198-A-G.
Other names: c.1087T>C, p.Phe363Leu (NM_001303496.3, NM_001303497.3, NM_001303498.3 and 5 more transcripts); short protein forms F363L.
Identifiers: ClinVar variation 3437174 (VCV003437174.1).
Genomic context (GRCh38, chr7:93,134,885, plus strand): 5'-CTTCTTCAGCCTCTTTTCTAGATGCTACCAGTGACTTTAAATTTTGTAAAAATGCCTTGA[A>G]ATCTACATCCCGTTGCTTGGAATTGGCCAGGATATCCCTAGAGCTAGCCCCTTCTCTTAC-3'
Protein context (NP_689916.2, residues 353-373): LANSKQRDVD[Phe363Leu]KAFLQNLKSL

ClinVar aggregate classification (germline): Uncertain significance (1 of 4 stars; one submission).

Conditions:
Inborn genetic diseases. Identifiers: MedGen C0950123, MeSH D030342.

Submission:

Ambry Genetics
Classification: Uncertain significance for Inborn genetic diseases. Last evaluated: 2024-11-24. Review status: criteria provided, single submitter. Criteria: Ambry Variant Classification Scheme 2023. Collection method: clinical testing. Allele origin: germline.
Comment: The p.F363L variant (also known as c.1087T>C), located in coding exon 1 of the SAMD9L gene, results from a T to C substitution at nucleotide position 1087. The phenylalanine at codon 363 is replaced by leucine, an amino acid with highly similar properties. This amino acid position is conserved. In addition, this alteration is predicted to be tolerated by in silico analysis. Based on the available evidence, the clinical significance of this variant remains unclear.